The following is an entry in ClinVar:

ClinVar aggregate classification (germline): Conflicting classifications of pathogenicity. Review status: criteria provided, conflicting classifications (1 of 4 stars). 2 submissions from 2 submitters: Likely pathogenic (1); Uncertain significance (1). Last evaluated 2026-09-04.

Conditions:
Kabuki syndrome. Also called: NIIKAWA-KUROKI SYNDROME; Kabuki make-up syndrome. Identifiers: Orphanet 2322, MedGen C0796004, MONDO:0016512.

Submissions (2):

GeneDx
Classification: Uncertain significance. Last evaluated: 2026-09-04. Review status: criteria provided, single submitter. Criteria: GeneDx Variant Classification Process June 2021. Collection method: clinical testing. Allele origin: germline.
Comment: Canonical splice site variant predicted to result in a null allele in a gene for which loss of function is a known mechanism of disease; Has not been previously published as pathogenic or benign to our knowledge

Labcorp Genetics (formerly Invitae), Labcorp
Classification: Likely pathogenic for Kabuki syndrome. Last evaluated: 2024-03-25. Review status: criteria provided, single submitter. Criteria: Invitae Variant Classification Sherloc (09022015). Collection method: clinical testing. Allele origin: germline.
Comment: This sequence change affects an acceptor splice site in intron 21 of the KMT2D gene. It is expected to disrupt RNA splicing. Variants that disrupt the donor or acceptor splice site typically lead to a loss of protein function (PMID: 16199547), and loss-of-function variants in KMT2D are known to be pathogenic (PMID: 22126750). This variant is present in population databases (no rsID available, gnomAD 0.0009%). This variant has not been reported in the literature in individuals affected with KMT2D-related conditions. ClinVar contains an entry for this variant (Variation ID: 2501964). Algorithms developed to predict the effect of sequence changes on RNA splicing suggest that this variant may disrupt the consensus splice site. In summary, the currently available evidence indicates that the variant is pathogenic, but additional data are needed to prove that conclusively. Therefore, this variant has been classified as Likely Pathogenic.

Literature cited by the submitters: PubMed 16199547 (cited by Labcorp Genetics (formerly Invitae), Labcorp); PubMed 22126750 (cited by Labcorp Genetics (formerly Invitae), Labcorp).

NM_003482.4(KMT2D):c.5189-2A>G

Gene: KMT2D (lysine methyltransferase 2D; minus strand). Cytogenetic location: 12q13.12.
Variant type: single nucleotide variant.
Coding change: c.5189-2A>G on transcript NM_003482.4 (MANE Select); the canonical splice acceptor site of the intron before coding-DNA position 5189, A replaced by G.
Molecular consequence: splice acceptor variant.
Genome position (GRCh38, 1-based): chr12:49,044,000, T>C on the plus strand (A>G on the coding strand, the complement: KMT2D is on the minus strand). VCF-style: chr12-49044000-T-C. GRCh37 (hg19) VCF-style: chr12-49437783-T-C.
Identifiers: ClinVar variation 2501964 (VCV002501964.4), dbSNP rs1193076988, ClinGen allele CA384635641.